The following is an entry in ClinVar:

ClinVar aggregate classification (germline): Uncertain significance. Review status: criteria provided, multiple submitters, no conflicts (2 of 4 stars). 3 submissions from 3 submitters: Uncertain significance (3). Last evaluated 2026-01-08.

Conditions:
RNU6ATAC spectrum disorder.
RNU6ATAC-associated neurodevelopmental disorder.

gnomAD v4.1: 1 of 151,924 alleles (0.00066%); highest among the groups gnomAD compares: Non-Finnish European, 0.0015%; no homozygotes.

Submissions (3):

Undiagnosed Diseases Network, NIH
Classification: Uncertain significance for RNU6ATAC spectrum disorder. Last evaluated: 2026-01-08. Review status: criteria provided, single submitter. Criteria: ACMG Guidelines, 2015. Collection method: clinical testing. Allele origin: maternal. Inheritance: Autosomal recessive inheritance. Affected: yes. Observed: 1 variant allele, 1 compound heterozygote. Study: Undiagnosed Diseases Network (NIH), UDN.
Comment: This variant has been observed in 0.00065% (1/151924) of chromosomes by the Genome Aggregation Database (gnomAD; dbSNP rs1419799440). Although this variant has been seen in the general population in a heterozygous state, its frequency is low enough to be consistent with a recessive carrier frequency. This variant has been previously reported in ClinVar as uncertain significance (RCV004764396.1). The variant is located at the Stem I/II boundary of the U4atac/U6atac bimolecule, which is essential for activation of the spliceosome before catalysis.

Institute of Human Genetics, University of Leipzig Medical Center
Classification: Uncertain significance for RNU6ATAC-associated neurodevelopmental disorder. Last evaluated: 2024-10-09. Review status: criteria provided, single submitter. Criteria: ACMG Guidelines, 2015. Collection method: literature only. Allele origin: de novo. Inheritance: Autosomal dominant inheritance. Affected: yes. Observed: 1 variant allele.
Comment: This variant was identified as de novo

Institute for Human Genetics, University Hospital Essen
Classification: Uncertain significance. Last evaluated: 2005-03-05. Review status: criteria provided, single submitter. Criteria: ACMG Guidelines, 2015. Collection method: clinical testing. Allele origin: de novo. Affected: yes.
Comment: PM2_supp, PS2

Literature cited by the submitters: DOI 10.1101/2024.10.07.24314689 (cited by Institute of Human Genetics, University of Leipzig Medical Center).

NR_023344.2(RNU6ATAC):n.30C>T

Gene: RNU6ATAC (RNA, U6atac small nuclear; minus strand). Cytogenetic location: 9q34.2.
Variant type: single nucleotide variant.
Genome position: GRCh38 VCF-style: chr9-134164535-G-A. GRCh37 (hg19) VCF-style: chr9-137029657-G-A.
Identifiers: ClinVar variation 3362388 (VCV003362388.3).